The following is an entry in ClinVar:

NM_181703.4(GJA5):c.646G>A (p.Ala216Thr)

Genes: GJA5 (gap junction protein alpha 5; minus strand), LOC122128420 (Sharpr-MPRA regulatory region 3144; plus strand). Cytogenetic location: 1q21.2.
Variant type: single nucleotide variant.
Coding change: c.646G>A on transcript NM_181703.4 (MANE Select); coding-DNA position 646, G replaced by A.
Protein change: p.Ala216Thr; replaces alanine 216 with threonine.
Molecular consequence: missense variant.
Genome position (GRCh38, 1-based): chr1:147,758,593, C>T on the plus strand (G>A on the coding strand, the complement: GJA5 is on the minus strand). VCF-style: chr1-147758593-C-T. GRCh37 (hg19) VCF-style: chr1-147230701-C-T.
Other names: c.646G>A, p.Ala216Thr (NM_005266.7); short protein forms A216T.
Identifiers: ClinVar variation 2196117 (VCV002196117.5), dbSNP rs1011222994, ClinGen allele CA30068807.

ClinVar aggregate classification (germline): Uncertain significance. Review status: criteria provided, multiple submitters, no conflicts (2 of 4 stars). 2 submissions from 2 submitters: Uncertain significance (2). Last evaluated 2025-08-24.

Conditions:
Atrial standstill 1 (ATRST1). Also called: Atrial standstill, digenic (GJA5/SCN5A); ATRIAL CARDIOMYOPATHY WITH HEART BLOCK; CARDIOMYOPATHY, FAMILIAL, WITH CONDUCTION DISTURBANCE. Identifiers: Orphanet 1344, MedGen C4551959, MONDO:0007171, OMIM 108770.
Atrial fibrillation, familial, 11 (ATFB11). Identifiers: MedGen C3279693, MONDO:0013544, OMIM 614049.

Allele frequency attached by ClinVar (database versions not stated): gnomAD exomes below 0.00001.
gnomAD v4.1: 1 of 1,614,048 alleles (0.000062%); highest among the groups gnomAD compares: South Asian, 0.0011%; no homozygotes.

Submissions (2):

Labcorp Genetics (formerly Invitae), Labcorp
Classification: Uncertain significance for Atrial fibrillation, familial, 11; Atrial standstill 1. Last evaluated: 2025-08-24. Review status: criteria provided, single submitter. Criteria: Invitae Variant Classification Sherloc (09022015). Collection method: clinical testing. Allele origin: germline.
Comment: This sequence change replaces alanine, which is neutral and non-polar, with threonine, which is neutral and polar, at codon 216 of the GJA5 protein (p.Ala216Thr). This variant is not present in population databases (gnomAD no frequency). This variant has not been reported in the literature in individuals affected with GJA5-related conditions. ClinVar contains an entry for this variant (Variation ID: 2196117). Invitae Evidence Modeling of protein sequence and biophysical properties (such as structural, functional, and spatial information, amino acid conservation, physicochemical variation, residue mobility, and thermodynamic stability) indicates that this missense variant is not expected to disrupt GJA5 protein function with a negative predictive value of 80%. In summary, the available evidence is currently insufficient to determine the role of this variant in disease. Therefore, it has been classified as a Variant of Uncertain Significance.

GeneDx
Classification: Uncertain significance. Last evaluated: 2024-07-17. Review status: criteria provided, single submitter. Criteria: GeneDx Variant Classification Process June 2021. Collection method: clinical testing. Allele origin: germline. Affected: yes.
Comment: Not observed at significant frequency in large population cohorts (gnomAD); In silico analysis indicates that this missense variant does not alter protein structure/function; Has not been previously published as pathogenic or benign to our knowledge